The following is an entry in ClinVar:

ClinVar aggregate classification (germline): Uncertain significance (1 of 4 stars; one submission).

Conditions:
Autosomal recessive spinocerebellar ataxia 18. Identifiers: Orphanet 363432, MedGen C4015505, MONDO:0014530, OMIM 616204.

Allele frequency attached by ClinVar (database versions not stated): gnomAD exomes below 0.00001; ExAC 0.00001.
gnomAD v4.1: 5 of 1,613,008 alleles (0.00031%); highest among the groups gnomAD compares: Non-Finnish European, 0.00042%; no homozygotes.

Submission:

Baylor Genetics
Classification: Uncertain significance for Autosomal recessive spinocerebellar ataxia 18. Last evaluated: 2019-04-07. Review status: criteria provided, single submitter. Criteria: ACMG Guidelines, 2015. Collection method: clinical testing. Allele origin: maternal. Affected: yes.
Comment: This variant was determined to be of uncertain significance according to ACMG Guidelines, 2015 [PMID:25741868].

NM_001510.4(GRID2):c.1658A>G (p.Glu553Gly)

Gene: GRID2 (glutamate ionotropic receptor delta type subunit 2; plus strand). Cytogenetic location: 4q22.2.
Variant type: single nucleotide variant.
Coding change: c.1658A>G on transcript NM_001510.4 (MANE Select); coding-DNA position 1658, A replaced by G.
Protein change: p.Glu553Gly; replaces glutamic acid 553 with glycine.
Molecular consequence: missense variant.
Genome position (GRCh38, 1-based): chr4:93,455,774, A>G. VCF-style: chr4-93455774-A-G. GRCh37 (hg19) VCF-style: chr4-94376925-A-G.
Other names: c.1373A>G, p.Glu458Gly (NM_001286838.1); short protein forms E458G, E553G.
Identifiers: ClinVar variation 1027933 (VCV001027933.1), dbSNP rs752073311, ClinGen allele CA3012353.
Genomic context (GRCh38, chr4:93,455,774, plus strand): 5'-TGGTGGACTTTACGACACGTTACATGGACTACTCAGTGGGGGTACTACTTCGAAGGGCTG[A>G]AAAGACAGTGGATATGTTTGCCTGTCTTGCACCATTTGATCTCTCTCTATGGGCTTGCAT-3'
Protein context (NP_001501.2, residues 543-563): YSVGVLLRRA[Glu553Gly]KTVDMFACLA